The following is an entry in ClinVar:

NM_001364905.1(LRBA):c.2981G>C (p.Ser994Thr)

Gene: LRBA (LPS responsive beige-like anchor protein; minus strand). Cytogenetic location: 4q31.3.
Variant type: single nucleotide variant.
Coding change: c.2981G>C on transcript NM_001364905.1 (MANE Select); coding-DNA position 2981, G replaced by C.
Protein change: p.Ser994Thr; replaces serine 994 with threonine.
Molecular consequence: missense variant.
Genome position (GRCh38, 1-based): chr4:150,852,729, C>G on the plus strand (G>C on the coding strand, the complement: LRBA is on the minus strand). VCF-style: chr4-150852729-C-G. GRCh37 (hg19) VCF-style: chr4-151773881-C-G.
Other names: c.2981G>C, p.Ser994Thr (NM_001199282.3, NM_001367550.1, NM_006726.5); short protein forms S994T.
Identifiers: ClinVar variation 1063462 (VCV001063462.9), dbSNP rs2126923372, ClinGen allele CA358460075.

ClinVar aggregate classification (germline): Uncertain significance (1 of 4 stars; one submission).

Conditions:
Combined immunodeficiency due to LRBA deficiency. Also called: Common variable immunodeficiency 8, with autoimmunity. Identifiers: Orphanet 445018, MedGen C3553512, MONDO:0013863, OMIM 614700.

Submission:

Labcorp Genetics (formerly Invitae), Labcorp
Classification: Uncertain significance for Combined immunodeficiency due to LRBA deficiency. Last evaluated: 2020-03-31. Review status: criteria provided, single submitter. Criteria: Invitae Variant Classification Sherloc (09022015). Collection method: clinical testing. Allele origin: germline.
Comment: In summary, the available evidence is currently insufficient to determine the role of this variant in disease. Therefore, it has been classified as a Variant of Uncertain Significance. This sequence change replaces serine with threonine at codon 994 of the LRBA protein (p.Ser994Thr). The serine residue is weakly conserved and there is a small physicochemical difference between serine and threonine. This variant is not present in population databases (ExAC no frequency). This variant has not been reported in the literature in individuals with LRBA-related conditions. Algorithms developed to predict the effect of missense changes on protein structure and function output the following: SIFT: "Tolerated"; PolyPhen-2: "Benign"; Align-GVGD: "Class C0". The threonine amino acid residue is found in multiple mammalian species, suggesting that this missense change does not adversely affect protein function. These predictions have not been confirmed by published functional studies and their clinical significance is uncertain.